The following is an entry in ClinVar:

ClinVar aggregate classification (germline): Uncertain significance (1 of 4 stars; one submission).

Submission:

GeneDx
Classification: Uncertain significance. Last evaluated: 2025-08-07. Review status: criteria provided, single submitter. Criteria: GeneDx Variant Classification Process June 2021. Collection method: clinical testing. Allele origin: germline. Affected: yes.
Comment: Not observed at significant frequency in large population cohorts (gnomAD); In silico analysis supports that this missense variant has a deleterious effect on protein structure/function; Has not been previously published as pathogenic or benign to our knowledge

NM_005027.4(PIK3R2):c.1707G>T (p.Gln569His)

Gene: PIK3R2 (phosphoinositide-3-kinase regulatory subunit 2; plus strand). Cytogenetic location: 19p13.11.
Variant type: single nucleotide variant.
Coding change: c.1707G>T on transcript NM_005027.4 (MANE Select); coding-DNA position 1707, G replaced by T.
Protein change: p.Gln569His; replaces glutamine 569 with histidine.
Molecular consequence: missense variant. On other transcripts: non-coding transcript variant (2).
Genome position (GRCh38, 1-based): chr19:18,167,277, G>T. VCF-style: chr19-18167277-G-T. GRCh37 (hg19) VCF-style: chr19-18278087-G-T.
Other names: short protein forms Q569H.
Identifiers: ClinVar variation 1304688 (VCV001304688.3), dbSNP rs2147957908, ClinGen allele CA404814378.